The following is an entry in ClinVar:

NM_007126.5(VCP):c.1614C>G (p.Asn538Lys)

Gene: VCP (valosin containing protein; minus strand). Cytogenetic location: 9p13.3.
Variant type: single nucleotide variant.
Coding change: c.1614C>G on transcript NM_007126.5 (MANE Select); coding-DNA position 1614, C replaced by G.
Protein change: p.Asn538Lys; replaces asparagine 538 with lysine.
Molecular consequence: missense variant.
Genome position (GRCh38, 1-based): chr9:35,060,394, G>C on the plus strand (C>G on the coding strand, the complement: VCP is on the minus strand). VCF-style: chr9-35060394-G-C. GRCh37 (hg19) VCF-style: chr9-35060391-G-C.
Other names: c.1479C>G, p.Asn493Lys (NM_001354927.2, NM_001354928.2); short protein forms N538K, N493K.
Identifiers: ClinVar variation 432587 (VCV000432587.2), dbSNP rs1554668287, ClinGen allele CA373279335.

ClinVar aggregate classification (germline): Uncertain significance (1 of 4 stars; one submission).

Submission:

GeneDx
Classification: Uncertain significance. Last evaluated: 2017-06-08. Review status: criteria provided, single submitter. Criteria: GeneDx Variant Classification (06012015). Collection method: clinical testing. Allele origin: germline. Affected: yes.
Comment: The N538K variant in the VCP gene has not been reported previously as a pathogenic variant, nor as a benign variant, to our knowledge. The N538K variant is not observed in large population cohorts (Lek et al., 2016; 1000 Genomes Consortium et al., 2015; Exome Variant Server). The N538K variant is a semi-conservative amino acid substitution, which occurs at a position that is conserved across species. In silico analysis predicts this variant is probably damaging to the protein structure/function. We interpret N538K as a variant of uncertain significance,